The following is an entry in ClinVar:

ClinVar aggregate classification (germline): Pathogenic (1 of 4 stars; one submission).

Conditions:
Multiple endocrine neoplasia, type 1 (MEN1). Also called: MEN I; WERMER SYNDROME; Endocrine adenomatosis multiple; MEN 1; MEA I. Identifiers: Orphanet 652, MedGen C0025267, MeSH D018761, MONDO:0007540, OMIM 131100.

Submission:

Labcorp Genetics (formerly Invitae), Labcorp
Classification: Pathogenic for Multiple endocrine neoplasia, type 1. Last evaluated: 2022-11-20. Review status: criteria provided, single submitter. Criteria: Invitae Variant Classification Sherloc (09022015). Collection method: clinical testing. Allele origin: germline.
Comment: For these reasons, this variant has been classified as Pathogenic. This variant has not been reported in the literature in individuals affected with MEN1-related conditions. This variant is not present in population databases (gnomAD no frequency). This sequence change creates a premature translational stop signal (p.Cys165Alafs*20) in the MEN1 gene. It is expected to result in an absent or disrupted protein product. Loss-of-function variants in MEN1 are known to be pathogenic (PMID: 12112656, 17853334).

Literature cited by the submitters: PubMed 12112656; PubMed 17853334.

NM_001370259.2(MEN1):c.492del (p.Cys165fs)

Gene: MEN1 (menin 1; minus strand). Cytogenetic location: 11q13.1.
Variant type: Deletion.
Coding change: c.492del on transcript NM_001370259.2 (MANE Select); coding-DNA position 492, one base deleted (C; older notation c.492delC).
Protein change: p.Cys165fs; shifts the reading frame from cysteine 165.
Molecular consequence: frameshift variant. On other transcripts: non-coding transcript variant (4).
Genome position (GRCh38, 1-based): chr11:64,808,053, G deleted on the plus strand (C on the coding strand, the reverse complement: MEN1 is on the minus strand); the first of 2 consecutive G bases (chr11:64,808,053-64,808,054); deleting either gives the same sequence. VCF-style (leftmost placement, unchanged base first): chr11-64808052-AG-A. GRCh37 (hg19) VCF-style: chr11-64575524-AG-A.
Other names: c.507del, p.Cys170fs (NM_000244.4, NM_001407145.1, NM_001407150.1 and 5 more transcripts); c.492del, p.Cys165fs (NM_001370251.2, NM_001370260.2, NM_001370261.2 and 12 more transcripts); short protein forms C165fs, C170fs.
Identifiers: ClinVar variation 2815545 (VCV002815545.3), dbSNP rs2497227066, ClinGen allele CA2739270494.